The following is an entry in ClinVar:

NM_001371986.1(UNC80):c.5530+3G>T

Gene: UNC80 (unc-80 subunit of NALCN channel complex; plus strand). Cytogenetic location: 2q34.
Variant type: single nucleotide variant.
Coding change: c.5530+3G>T on transcript NM_001371986.1 (MANE Select); 3 bases into the intron after coding-DNA position 5530, G replaced by T.
Molecular consequence: intron variant.
Genome position (GRCh38, 1-based): chr2:209,921,689, G>T. VCF-style: chr2-209921689-G-T. GRCh37 (hg19) VCF-style: chr2-210786413-G-T.
Other names: c.5332+3G>T (NM_032504.2); c.5317+3G>T (NM_182587.4).
Identifiers: ClinVar variation 1384790 (VCV001384790.6), dbSNP rs2124953239, ClinGen allele CA2554780977.

ClinVar aggregate classification (germline): Uncertain significance (1 of 4 stars; one submission).

Allele frequency attached by ClinVar (database versions not stated): gnomAD exomes below 0.00001.
gnomAD v4.1: 1 of 1,548,946 alleles (0.000065%); highest among the groups gnomAD compares: Non-Finnish European, 0.000087%; no homozygotes.

Submission:

Labcorp Genetics (formerly Invitae), Labcorp
Classification: Uncertain significance. Last evaluated: 2021-06-28. Review status: criteria provided, single submitter. Criteria: Invitae Variant Classification Sherloc (09022015). Collection method: clinical testing. Allele origin: germline.
Comment: This sequence change falls in intron 33 of the UNC80 gene. It does not directly change the encoded amino acid sequence of the UNC80 protein. It affects a nucleotide within the consensus splice site of the intron. This variant is not present in population databases (ExAC no frequency). In summary, the available evidence is currently insufficient to determine the role of this variant in disease. Therefore, it has been classified as a Variant of Uncertain Significance. Nucleotide substitutions within the consensus splice site are a relatively common cause of aberrant splicing (PMID: 17576681, 9536098). Algorithms developed to predict the effect of sequence changes on RNA splicing suggest that this variant may disrupt the consensus splice site, but this prediction has not been confirmed by published transcriptional studies. This variant has not been reported in the literature in individuals with UNC80-related conditions.

Literature cited by the submitters: PubMed 17576681; PubMed 9536098.